The following is an entry in ClinVar:

ClinVar aggregate classification (germline): Uncertain significance (1 of 4 stars; one submission).

Submission:

Labcorp Genetics (formerly Invitae), Labcorp
Classification: Uncertain significance. Last evaluated: 2023-10-05. Review status: criteria provided, single submitter. Criteria: Invitae Variant Classification Sherloc (09022015). Collection method: clinical testing. Allele origin: germline.
Comment: This sequence change replaces glutamine, which is neutral and polar, with arginine, which is basic and polar, at codon 352 of the AHDC1 protein (p.Gln352Arg). This variant is not present in population databases (gnomAD no frequency). This variant has not been reported in the literature in individuals affected with AHDC1-related conditions. An algorithm developed to predict the effect of missense changes on protein structure and function (PolyPhen-2) suggests that this variant is likely to be tolerated. In summary, the available evidence is currently insufficient to determine the role of this variant in disease. Therefore, it has been classified as a Variant of Uncertain Significance.

NM_001371928.1(AHDC1):c.1055A>G (p.Gln352Arg)

Gene: AHDC1 (AT-hook DNA binding motif containing 1; minus strand). Cytogenetic location: 1p36.11.
Variant type: single nucleotide variant.
Coding change: c.1055A>G on transcript NM_001371928.1 (MANE Select); coding-DNA position 1055, A replaced by G.
Protein change: p.Gln352Arg; replaces glutamine 352 with arginine.
Molecular consequence: missense variant.
Genome position (GRCh38, 1-based): chr1:27,551,061, T>C on the plus strand (A>G on the coding strand, the complement: AHDC1 is on the minus strand). VCF-style: chr1-27551061-T-C. GRCh37 (hg19) VCF-style: chr1-27877572-T-C.
Other names: c.1055A>G, p.Gln352Arg (NM_001029882.3); short protein forms Q352R.
Identifiers: ClinVar variation 2765913 (VCV002765913.3), dbSNP rs2522047283, ClinGen allele CA339235325.